The following is an entry in ClinVar:

ClinVar aggregate classification (germline): Likely benign (1 of 4 stars; one submission).

Conditions:
Breast-ovarian cancer, familial, susceptibility to, 2 (BROVCA2). Also called: BRCA2 Hereditary Breast and Ovarian Cancer. Identifiers: Orphanet 145, MedGen C2675520, MONDO:0012933, OMIM 612555. Disease mechanism: loss of function.

gnomAD v4.1: 2 of 1,613,782 alleles (0.00012%); highest among the groups gnomAD compares: Non-Finnish European, 0.00017%; no homozygotes.

Submission:

Cancer Bioinformatics and Tumour Evolution Laboratory, Monash University
Classification: Likely benign for Breast-ovarian cancer, familial, susceptibility to, 2. Last evaluated: 2026-05-01. Review status: criteria provided, single submitter. Criteria: ClinGen BRCA1 and BRCA2 Guidelines, 2024. Collection method: curation. Allele origin: germline. Inheritance: Autosomal dominant inheritance.
Comment: The variant is in the functional domain (DNA Binding domain). The BayesDel score is -0.281431. Since no deleterious impact is predicted, BP4 is applied. PMID: 39281752 - A large scale study to determine the case-control LR of BRCA1 and BRCA2 variants. The data was consolidated in the ccLR browser. This variant was found in the browser with a LR of 2.927313596 which is in the supporting pathogenic range (2.08-4.30) according to the BRCA1 and BRCA2 VCEP. Hence, PP4 is applied. PMID: 39779857 - SGE on human haploid HAP1 cells. This variant was strongly benign in the HDR assay. All missenses in this codon were benign except c.8458G>C; p.Val2820Leu was strongly pathogenic. PMID: 39779848 - SGE followed by HDR on mES cells. All missenses in this position were analysed, including our variant. All of them were found to be benign. Based on these functional studies, BS3 is applied. Since contradictory evidence codes have been applied, the points system recommended by the BRCA1 and BRCA2 VCEP will be applied to resolve it. +1 point for path_supporting code, -1 point for benign_supporting code, and -4 for benign_strong code. Total points = -4. This falls in the Likely Benign range.

Literature cited by the submitters: PubMed 39281752; PubMed 39779857; PubMed 39779848.

NM_000059.4(BRCA2):c.8458G>A (p.Val2820Ile)

Gene: BRCA2 (BRCA2 DNA repair associated; plus strand). Cytogenetic location: 13q13.1.
Variant type: single nucleotide variant.
Coding change: c.8458G>A on transcript NM_000059.4 (MANE Select); coding-DNA position 8458, G replaced by A.
Protein change: p.Val2820Ile; replaces valine 2820 with isoleucine.
Molecular consequence: missense variant. On other transcripts: non-coding transcript variant (1).
Genome position (GRCh38, 1-based): chr13:32,370,528, G>A. VCF-style: chr13-32370528-G-A. GRCh37 (hg19) VCF-style: chr13-32944665-G-A.
Other names: c.8362G>A, p.Val2788Ile (NM_001406719.1); c.8458G>A, p.Val2820Ile (NM_001406720.1, NM_001432077.1); c.3526G>A, p.Val1176Ile (NM_001406721.1); c.2041G>A, p.Val681Ile (NM_001406722.1); short protein forms V1176I, V2788I, V2820I, V681I.
Identifiers: ClinVar variation 4856504 (VCV004856504.1).